The following is an entry in ClinVar:

NM_012200.4(B3GAT3):c.771C>T (p.Ala257=)

Gene: B3GAT3 (beta-1,3-glucuronyltransferase 3; minus strand). Cytogenetic location: 11q12.3.
Variant type: single nucleotide variant.
Coding change: c.771C>T on transcript NM_012200.4 (MANE Select); coding-DNA position 771, C replaced by T.
Protein change: p.Ala257=; no amino-acid change (alanine 257 retained).
Molecular consequence: synonymous variant. On other transcripts: non-coding transcript variant (1).
Genome position (GRCh38, 1-based): chr11:62,616,644, G>A on the plus strand (C>T on the coding strand, the complement: B3GAT3 is on the minus strand). VCF-style: chr11-62616644-G-A. GRCh37 (hg19) VCF-style: chr11-62384116-G-A.
Other names: p.Ala257=; c.750C>T, p.Ala250= (NM_001288721.2); c.771C>T, p.Ala257= (NM_001288722.2, NM_001288723.2).
Identifiers: ClinVar variation 1542485 (VCV001542485.9), dbSNP rs776598325, ClinGen allele CA6050009.
Genomic context (GRCh38, chr11:62,616,644, plus strand): 5'-CCGGGGAGCGGTGGAATCAAATTGGGCATTGGGCTTATCTAACAGCAAGGGCAGGGCCAC[G>A]GCAAATCCAGCCATATCCACAGGGAAGGGCCTGCTGGGCTCCCATGCTGTGTGGAAGCCC-3'
Protein context (NP_036332.2, residues 247-267): RPFPVDMAGF[Ala257=]VALPLLLDKP

ClinVar aggregate classification (germline): Likely benign. Review status: criteria provided, multiple submitters, no conflicts (2 of 4 stars). 2 submissions from 2 submitters: Likely benign (2). Last evaluated 2025-06-17.

Conditions:
Larsen-like syndrome, B3GAT3 type. Also called: Multiple joint dislocations, short stature, craniofacial dysmorphism, with or without congenital heart defects; MULTIPLE JOINT DISLOCATIONS, SHORT STATURE, AND CRANIOFACIAL DYSMORPHISM WITH OR WITHOUT CONGENITAL HEART DEFECTS. Identifiers: Orphanet 284139, MedGen CN034159, MONDO:0009511, OMIM 245600.

Allele frequency attached by ClinVar (database versions not stated): ExAC 0.00001; gnomAD 0.00001; gnomAD exomes 0.00001; TOPMed 0.00001.
gnomAD v4.1: 16 of 1,614,076 alleles (0.00099%); highest among the groups gnomAD compares: Non-Finnish European, 0.0012%; no homozygotes.

Submissions (2):

Mayo Clinic Laboratories, Mayo Clinic
Classification: Likely benign. Last evaluated: 2025-06-17. Review status: criteria provided, single submitter. Criteria: ACMG Guidelines, 2015. Collection method: clinical testing. Allele origin: germline. Observed: 1 variant allele.
Comment: BP4, BP7

Labcorp Genetics (formerly Invitae), Labcorp
Classification: Likely benign for Larsen-like syndrome, B3GAT3 type. Last evaluated: 2025-06-12. Review status: criteria provided, single submitter. Criteria: Invitae Variant Classification Sherloc (09022015). Collection method: clinical testing. Allele origin: germline.